The following is an entry in ClinVar:

ClinVar aggregate classification (germline): Uncertain significance (1 of 4 stars; one submission).

Allele frequency attached by ClinVar (database versions not stated): ESP Exome Variant Server 0.00008.
gnomAD v4.1: 4 of 1,614,052 alleles (0.00025%); highest among the groups gnomAD compares: Middle Eastern, 0.016%; no homozygotes.

Submission:

Labcorp Genetics (formerly Invitae), Labcorp
Classification: Uncertain significance. Last evaluated: 2023-09-07. Review status: criteria provided, single submitter. Criteria: Invitae Variant Classification Sherloc (09022015). Collection method: clinical testing. Allele origin: germline.
Comment: This sequence change replaces arginine, which is basic and polar, with leucine, which is neutral and non-polar, at codon 88 of the ACOX2 protein (p.Arg88Leu). This variant is present in population databases (rs367555146, gnomAD 0.007%). This variant has not been reported in the literature in individuals affected with ACOX2-related conditions. ClinVar contains an entry for this variant (Variation ID: 2141171). Advanced modeling of protein sequence and biophysical properties (such as structural, functional, and spatial information, amino acid conservation, physicochemical variation, residue mobility, and thermodynamic stability) performed at Invitae indicates that this missense variant is not expected to disrupt ACOX2 protein function. In summary, the available evidence is currently insufficient to determine the role of this variant in disease. Therefore, it has been classified as a Variant of Uncertain Significance.

NM_003500.4(ACOX2):c.263G>T (p.Arg88Leu)

Gene: ACOX2 (acyl-CoA oxidase 2; minus strand). Cytogenetic location: 3p14.3.
Variant type: single nucleotide variant.
Coding change: c.263G>T on transcript NM_003500.4 (MANE Select); coding-DNA position 263, G replaced by T.
Protein change: p.Arg88Leu; replaces arginine 88 with leucine.
Molecular consequence: missense variant.
Genome position (GRCh38, 1-based): chr3:58,534,420, C>A on the plus strand (G>T on the coding strand, the complement: ACOX2 is on the minus strand). VCF-style: chr3-58534420-C-A. GRCh37 (hg19) VCF-style: chr3-58520147-C-A.
Other names: short protein forms R88L.
Identifiers: ClinVar variation 2141171 (VCV002141171.4), dbSNP rs367555146, ClinGen allele CA2472477.